The following is an entry in ClinVar:

ClinVar aggregate classification (germline): Uncertain significance (1 of 4 stars; one submission).

Submission:

Labcorp Genetics (formerly Invitae), Labcorp
Classification: Uncertain significance. Last evaluated: 2025-03-14. Review status: criteria provided, single submitter. Criteria: Invitae Variant Classification Sherloc (09022015). Collection method: clinical testing. Allele origin: germline.
Comment: This sequence change replaces lysine, which is basic and polar, with threonine, which is neutral and polar, at codon 406 of the SETD5 protein (p.Lys406Thr). This variant is not present in population databases (gnomAD no frequency). This variant has not been reported in the literature in individuals affected with SETD5-related conditions. Invitae Evidence Modeling of protein sequence and biophysical properties (such as structural, functional, and spatial information, amino acid conservation, physicochemical variation, residue mobility, and thermodynamic stability) indicates that this missense variant is expected to disrupt SETD5 protein function with a positive predictive value of 80%. In summary, the available evidence is currently insufficient to determine the role of this variant in disease. Therefore, it has been classified as a Variant of Uncertain Significance.

NM_001080517.3(SETD5):c.1217A>C (p.Lys406Thr)

Gene: SETD5 (SET domain containing 5; plus strand). Cytogenetic location: 3p25.3.
Variant type: single nucleotide variant.
Coding change: c.1217A>C on transcript NM_001080517.3 (MANE Select); coding-DNA position 1217, A replaced by C.
Protein change: p.Lys406Thr; replaces lysine 406 with threonine.
Molecular consequence: missense variant.
Genome position (GRCh38, 1-based): chr3:9,445,077, A>C. VCF-style: chr3-9445077-A-C. GRCh37 (hg19) VCF-style: chr3-9486761-A-C.
Other names: c.923A>C, p.Lys308Thr (NM_001292043.2, NM_001349451.2); short protein forms K406T, K308T.
Identifiers: ClinVar variation 3667185 (VCV003667185.2).